The following is an entry in ClinVar:

ClinVar aggregate classification (germline): Uncertain significance (1 of 4 stars; one submission).

Conditions:
Developmental and epileptic encephalopathy, 53. Also called: Epileptic encephalopathy, early infantile, 53. Identifiers: MedGen C4479313, MONDO:0033362, OMIM 617389.
Early-onset Parkinson disease 20. Also called: PARKINSON DISEASE 20, AUTOSOMAL RECESSIVE EARLY-ONSET. Identifiers: Orphanet 391411, MedGen C3809824, MONDO:0014233, OMIM 615530.

Allele frequency attached by ClinVar (database versions not stated): gnomAD exomes below 0.00001.

Submission:

Labcorp Genetics (formerly Invitae), Labcorp
Classification: Uncertain significance for Developmental and epileptic encephalopathy, 53; Early-onset Parkinson disease 20. Last evaluated: 2021-09-01. Review status: criteria provided, single submitter. Criteria: Invitae Variant Classification Sherloc (09022015). Collection method: clinical testing. Allele origin: germline.
Comment: This sequence change replaces proline with alanine at codon 1107 of the SYNJ1 protein (p.Pro1107Ala). The proline residue is highly conserved and there is a small physicochemical difference between proline and alanine. This variant is not present in population databases (ExAC no frequency). This variant has not been reported in the literature in individuals affected with SYNJ1-related conditions. Algorithms developed to predict the effect of missense changes on protein structure and function are either unavailable or do not agree on the potential impact of this missense change (SIFT: "Deleterious"; PolyPhen-2: "Probably Damaging"; Align-GVGD: "Class C0"). Algorithms developed to predict the effect of sequence changes on RNA splicing suggest that this variant may create or strengthen a splice site. In summary, the available evidence is currently insufficient to determine the role of this variant in disease. Therefore, it has been classified as a Variant of Uncertain Significance.

NM_203446.3(SYNJ1):c.3202C>G (p.Pro1068Ala)

Gene: SYNJ1 (synaptojanin 1; minus strand). Cytogenetic location: 21q22.11.
Variant type: single nucleotide variant.
Coding change: c.3202C>G on transcript NM_203446.3 (MANE Select); coding-DNA position 3202, C replaced by G.
Protein change: p.Pro1068Ala; replaces proline 1068 with alanine.
Molecular consequence: missense variant.
Genome position (GRCh38, 1-based): chr21:32,646,438, G>C on the plus strand (C>G on the coding strand, the complement: SYNJ1 is on the minus strand). VCF-style: chr21-32646438-G-C. GRCh37 (hg19) VCF-style: chr21-34018748-G-C.
Other names: c.3202C>G, p.Pro1068Ala (NM_001160302.2); c.3187C>G, p.Pro1063Ala (NM_001160306.2); c.3319C>G, p.Pro1107Ala (NM_003895.4); short protein forms P1068A, P1063A, P1107A.
Identifiers: ClinVar variation 862404 (VCV000862404.7), dbSNP rs1374696982, ClinGen allele CA410069159.